The following is an entry in ClinVar:

NM_001844.5(COL2A1):c.4448C>T (p.Pro1483Leu)

Gene: COL2A1 (collagen type II alpha 1 chain; minus strand). Cytogenetic location: 12q13.11.
Variant type: single nucleotide variant.
Coding change: c.4448C>T on transcript NM_001844.5 (MANE Select); coding-DNA position 4448, C replaced by T.
Protein change: p.Pro1483Leu; replaces proline 1483 with leucine.
Molecular consequence: missense variant.
Genome position (GRCh38, 1-based): chr12:47,973,423, G>A on the plus strand (C>T on the coding strand, the complement: COL2A1 is on the minus strand). VCF-style: chr12-47973423-G-A. GRCh37 (hg19) VCF-style: chr12-48367206-G-A.
Other names: c.4241C>T, p.Pro1414Leu (NM_033150.3); short protein forms P1483L, P1414L.
Identifiers: ClinVar variation 881508 (VCV000881508.8), dbSNP rs376442872, ClinGen allele CA6534451.

ClinVar aggregate classification (germline): Conflicting classifications of pathogenicity. Review status: criteria provided, conflicting classifications (1 of 4 stars). 4 submissions from 3 submitters: Uncertain significance (2); Benign (1); Likely benign (1). Last evaluated 2025-12-11.

Conditions:
Type 2 collagenopathy. Identifiers: Orphanet 93421, MedGen C2931073, MONDO:0022800.
Stickler syndrome type 1 (STL1). Also called: ARTHROOPHTHALMOPATHY, HEREDITARY PROGRESSIVE; STICKLER SYNDROME, MEMBRANOUS VITREOUS TYPE; STICKLER SYNDROME, VITREOUS TYPE 1; COL2A1-Related Stickler Syndrome. Identifiers: Orphanet 828, Orphanet 90653, MedGen C2020284, MONDO:0007160, OMIM 108300.

Allele frequency attached by ClinVar (database versions not stated): ExAC 0.00002; gnomAD exomes 0.00002; TOPMed 0.00004; gnomAD 0.00005; ESP Exome Variant Server 0.00008.
gnomAD v4.1: 14 of 1,613,992 alleles (0.00087%); highest among the groups gnomAD compares: African/African-American, 0.0093%; no homozygotes.

Submissions (4):

Labcorp Genetics (formerly Invitae), Labcorp
Classification: Likely benign. Last evaluated: 2025-12-11. Review status: criteria provided, single submitter. Criteria: Invitae Variant Classification Sherloc (09022015). Collection method: clinical testing. Allele origin: germline.

GeneDx
Classification: Uncertain significance. Last evaluated: 2019-07-10. Review status: criteria provided, single submitter. Criteria: GeneDx Variant Classification Process June 2021. Collection method: clinical testing. Allele origin: germline. Affected: yes.
Comment: In silico analysis, which includes protein predictors and evolutionary conservation, supports a deleterious effect; Has not been previously published as pathogenic or benign to our knowledge

Illumina Laboratory Services, Illumina
Classification: Benign for Type II Collagenopathies. Last evaluated: 2018-01-13. Review status: criteria provided, single submitter. Criteria: ICSL Variant Classification Criteria 13 December 2019. Collection method: clinical testing. Allele origin: germline.
Comment: This variant was observed in the ICSL laboratory as part of a predisposition screen in an ostensibly healthy population. It had not been previously curated by ICSL or reported in the Human Gene Mutation Database (HGMD: prior to June 1st, 2018), and was therefore a candidate for classification through an automated scoring system. Utilizing variant allele frequency, disease prevalence and penetrance estimates, and inheritance mode, an automated score was calculated to assess if this variant is too frequent to cause the disease. Based on the score and internal cut-off values, a variant classified as benign is not then subjected to further curation. The score for this variant resulted in a classification of benign for this disease.

Illumina Laboratory Services, Illumina
Classification: Uncertain significance for Stickler syndrome type 1. Last evaluated: 2018-01-13. Review status: criteria provided, single submitter. Criteria: ICSL Variant Classification Criteria 13 December 2019. Collection method: clinical testing. Allele origin: germline.